The following is an entry in ClinVar:

NM_000037.4(ANK1):c.2174_2179del (p.Ala725_Asp726del)

Gene: ANK1 (ankyrin 1; minus strand). Cytogenetic location: 8p11.21.
Variant type: Deletion.
Coding change: c.2174_2179del on transcript NM_000037.4 (MANE Select); coding-DNA positions 2174 to 2179, 6 bases deleted (CAGATG; older notation c.2174_2179delCAGATG).
Protein change: p.Ala725_Asp726del.
Molecular consequence: inframe deletion.
Genome position (GRCh38, 1-based): chr8:41,704,391-41,704,396, CATCTG deleted on the plus strand (CAGATG on the coding strand, the reverse complement: ANK1 is on the minus strand); deleting any 6 consecutive bases within chr8:41,704,391-41,704,397 gives the same sequence; the c. name uses the placement nearest the transcript's 3' end. VCF-style (leftmost placement, unchanged base first): chr8-41704390-ACATCTG-A. GRCh37 (hg19) VCF-style: chr8-41561908-ACATCTG-A.
Other names: c.2273_2278del, p.Ala758_Asp759del (NM_001142446.2); c.2174_2179del, p.Ala725_Asp726del (NM_020475.3, NM_020476.3, NM_020477.3).
Identifiers: ClinVar variation 3392872 (VCV003392872.1).

ClinVar aggregate classification (germline): Uncertain significance (1 of 4 stars; one submission).

Submission:

GeneDx
Classification: Uncertain significance. Last evaluated: 2024-06-25. Review status: criteria provided, single submitter. Criteria: GeneDx Variant Classification Process June 2021. Collection method: clinical testing. Allele origin: germline. Affected: yes.
Comment: Not observed at significant frequency in large population cohorts (gnomAD); In-frame deletion of 2 amino acids in a non-repeat region; In silico analysis supports a deleterious effect on protein structure/function; Has not been previously published as pathogenic or benign to our knowledge